The following is an entry in ClinVar:

ClinVar aggregate classification (germline): Benign/Likely benign. Review status: criteria provided, multiple submitters, no conflicts (2 of 4 stars). 15 submissions from 11 submitters: Benign (10); Likely benign (1). 4 of the submissions do not count toward it. Last evaluated 2026-02-04.

Conditions:
Joubert syndrome. Also called: Familial aplasia of the vermis; JOUBERT-BOLTSHAUSER SYNDROME. Identifiers: Orphanet 475, MedGen C5979921, MONDO:0018772.
Meckel-Gruber syndrome. Also called: Dysencephalia splachnocystica; GRUBER SYNDROME; DYSENCEPHALIA SPLANCHNOCYSTICA. Identifiers: Orphanet 564, MedGen C0265215, MONDO:0018921.
Nephronophthisis. Also called: Juvenile Nephronophthisis. Identifiers: Orphanet 655, MedGen C0687120, MONDO:0019005, HP:0000090.
Meckel syndrome, type 4 (MKS4). Also called: MECKEL-GRUBER SYNDROME, TYPE 4. Identifiers: Orphanet 564, MedGen C1970161, MONDO:0012626, OMIM 611134.
Leber congenital amaurosis (LCA). Also called: Leber's amaurosis. Identifiers: Orphanet 65, MedGen C0339527, MeSH D057130, MONDO:0018998.
Bardet-Biedl syndrome 14 (BBS14). Identifiers: Orphanet 110, MedGen C2673874, MONDO:0014442, OMIM 615991.
Senior-Loken syndrome 6 (SLSN6). Identifiers: Orphanet 3156, MedGen C1857779, MONDO:0012433, OMIM 610189.
Leber congenital amaurosis 10 (LCA10). Identifiers: Orphanet 65, MedGen C1857821, MONDO:0012723, OMIM 611755.
Joubert syndrome 5 (JBTS5). Identifiers: Orphanet 2318, MedGen C1857780, MONDO:0012432, OMIM 610188.

Allele frequency attached by ClinVar (database versions not stated): gnomAD exomes 0.01196; ExAC 0.01465; gnomAD 0.05017 and 0.05381; 1000 Genomes Project 0.05112; ESP Exome Variant Server 0.05271; 1000 Genomes Project 30x 0.05512; TOPMed 0.05601.
gnomAD v4.1: 14,603 of 1,613,838 alleles (0.9%); highest among the groups gnomAD compares: African/African-American, 17%; 1,198 homozygotes.

Submissions (15):

Labcorp Genetics (formerly Invitae), Labcorp
Classification: Benign for Joubert syndrome; Meckel-Gruber syndrome; Nephronophthisis. Last evaluated: 2026-02-04. Review status: criteria provided, single submitter. Criteria: Invitae Variant Classification Sherloc (09022015). Collection method: clinical testing. Allele origin: germline.

Blueprint Genetics
Classification: Likely benign. Last evaluated: 2024-11-27. Review status: criteria provided, single submitter. Criteria: ACMG Guidelines, 2015. Collection method: clinical testing. Allele origin: germline.

Mayo Clinic Laboratories, Mayo Clinic
Classification: Benign. Last evaluated: 2023-04-03. Review status: criteria provided, single submitter. Criteria: ACMG Guidelines, 2015. Collection method: clinical testing. Allele origin: germline. Observed: 9 variant alleles.

Illumina Laboratory Services, Illumina
Classification: Benign for Meckel syndrome, type 4. Last evaluated: 2018-01-12. Review status: criteria provided, single submitter. Criteria: ICSL Variant Classification Criteria 13 December 2019. Collection method: clinical testing. Allele origin: germline.
Comment: This variant was observed in the ICSL laboratory as part of a predisposition screen in an ostensibly healthy population. It had not been previously curated by ICSL or reported in the Human Gene Mutation Database (HGMD: prior to June 1st, 2018), and was therefore a candidate for classification through an automated scoring system. Utilizing variant allele frequency, disease prevalence and penetrance estimates, and inheritance mode, an automated score was calculated to assess if this variant is too frequent to cause the disease. Based on the score and internal cut-off values, a variant classified as benign is not then subjected to further curation. The score for this variant resulted in a classification of benign for this disease.

Illumina Laboratory Services, Illumina
Classification: Benign for Bardet-Biedl syndrome 14. Last evaluated: 2018-01-12. Review status: criteria provided, single submitter. Criteria: ICSL Variant Classification Criteria 13 December 2019. Collection method: clinical testing. Allele origin: germline.
Comment: the same text as in the submission from Illumina Laboratory Services, Illumina above.

Illumina Laboratory Services, Illumina
Classification: Benign for Joubert syndrome 5. Last evaluated: 2018-01-12. Review status: criteria provided, single submitter. Criteria: ICSL Variant Classification Criteria 13 December 2019. Collection method: clinical testing. Allele origin: germline.
Comment: the same text as in the submission from Illumina Laboratory Services, Illumina above.

Illumina Laboratory Services, Illumina
Classification: Benign for Senior-Loken syndrome 6. Last evaluated: 2018-01-12. Review status: criteria provided, single submitter. Criteria: ICSL Variant Classification Criteria 13 December 2019. Collection method: clinical testing. Allele origin: germline.
Comment: the same text as in the submission from Illumina Laboratory Services, Illumina above.

Illumina Laboratory Services, Illumina
Classification: Benign for Leber congenital amaurosis 10. Last evaluated: 2018-01-12. Review status: criteria provided, single submitter. Criteria: ICSL Variant Classification Criteria 13 December 2019. Collection method: clinical testing. Allele origin: germline.
Comment: the same text as in the submission from Illumina Laboratory Services, Illumina above.

GeneDx
Classification: Benign. Last evaluated: 2014-01-30. Review status: criteria provided, single submitter. Criteria: GeneDx Variant Classification (06012015). Collection method: clinical testing. Allele origin: germline. Affected: yes.
Comment: This variant is considered likely benign or benign based on one or more of the following criteria: it is a conservative change, it occurs at a poorly conserved position in the protein, it is predicted to be benign by multiple in silico algorithms, and/or has population frequency not consistent with disease.

Breakthrough Genomics
Classification: Benign. Review status: criteria provided, single submitter. Criteria: ACMG Guidelines, 2015. Collection method: not provided. Allele origin: germline. Inheritance: Autosomal recessive inheritance. Affected: yes.

PreventionGenetics, part of Exact Sciences
Classification: Benign. Review status: criteria provided, single submitter. Criteria: ACMG Guidelines, 2015. Collection method: clinical testing. Allele origin: germline.

Natera, Inc.
Classification: Benign for Leber congenital amaurosis. Last evaluated: 2020-09-16. Review status: no assertion criteria provided. Collection method: clinical testing. Allele origin: germline. Not counted in ClinVar's aggregate classification.

Genetic Services Laboratory, University of Chicago
Classification: Likely benign for AllHighlyPenetrant. Review status: no assertion criteria provided. Collection method: clinical testing. Allele origin: germline. Inheritance: Autosomal recessive inheritance. Observed: 16 variant alleles. Not counted in ClinVar's aggregate classification.
Comment: Likely benign based on allele frequency in 1000 Genomes Project or ESP global frequency and its presence in a patient with a rare or unrelated disease phenotype. NOT Sanger confirmed.

Joint Genome Diagnostic Labs from Nijmegen and Maastricht, Radboudumc and MUMC+
Classification: Benign. Review status: no assertion criteria provided. Collection method: clinical testing. Allele origin: germline. Affected: yes. Study: VKGL Data-share Consensus. Not counted in ClinVar's aggregate classification.

Laboratory of Diagnostic Genome Analysis, Leiden University Medical Center (LUMC)
Classification: Benign. Review status: no assertion criteria provided. Collection method: clinical testing. Allele origin: germline. Affected: yes. Study: VKGL Data-share Consensus. Not counted in ClinVar's aggregate classification.

NM_025114.4(CEP290):c.3710G>A (p.Arg1237His)

Gene: CEP290 (centrosomal protein 290; minus strand). Cytogenetic location: 12q21.32.
Variant type: single nucleotide variant.
Coding change: c.3710G>A on transcript NM_025114.4 (MANE Select); coding-DNA position 3710, G replaced by A.
Protein change: p.Arg1237His; replaces arginine 1237 with histidine.
Molecular consequence: missense variant.
Genome position (GRCh38, 1-based): chr12:88,089,351, C>T on the plus strand (G>A on the coding strand, the complement: CEP290 is on the minus strand). VCF-style: chr12-88089351-C-T. GRCh37 (hg19) VCF-style: chr12-88483128-C-T.
Other names: p.R1237H:CGC>CAC; short protein forms R1237H.
Identifiers: ClinVar variation 126257 (VCV000126257.29), dbSNP rs7307793, ClinGen allele CA150908.
Genomic context (GRCh38, chr12:88,089,351, plus strand): 5'-CTTCCCTCCAAACGAGCATAATAGAGAGCCTGTTCTTTTTCATCAAGTTTCTGCTCTAAG[C>T]GCAAGTTGTAGGCCTCCATCTTCTGCAGTTTAGATGTAATTGACTCCAACTTACCAAGAG-3'
Protein context (NP_079390.3, residues 1227-1247): KLQKMEAYNL[Arg1237His]LEQKLDEKEQ